The following is an entry in ClinVar:

ClinVar aggregate classification (germline): Uncertain significance (1 of 4 stars; one submission).

Submission:

CeGaT Center for Human Genetics Tuebingen
Classification: Uncertain significance. Last evaluated: 2026-09-01. Review status: criteria provided, single submitter. Criteria: CeGaT Center For Human Genetics Tuebingen Variant Classification Criteria Version 2. Collection method: clinical testing. Allele origin: germline. Affected: yes. Observed: 1 variant allele.
Comment: HYDIN: PM2

NM_001270974.2(HYDIN):c.4958C>T (p.Thr1653Met)

Gene: HYDIN (HYDIN axonemal central pair apparatus protein; minus strand). Cytogenetic location: 16q22.2.
Variant type: single nucleotide variant.
Coding change: c.4958C>T on transcript NM_001270974.2 (MANE Select); coding-DNA position 4958, C replaced by T.
Protein change: p.Thr1653Met; replaces threonine 1653 with methionine.
Molecular consequence: missense variant.
Genome position (GRCh38, 1-based): chr16:70,974,252, G>A on the plus strand (C>T on the coding strand, the complement: HYDIN is on the minus strand). VCF-style: chr16-70974252-G-A. GRCh37 (hg19) VCF-style: chr16-71008155-G-A.
Other names: short protein forms T1653M.
Identifiers: ClinVar variation 5038592 (VCV005038592.1).
Genomic context (GRCh38, chr16:70,974,252, plus strand): 5'-TCTTTGCTTCCAACAGGAAGATTGGCCCCCTGTGGGTCAAATCTCACTTCAAATATTTCC[G>A]TTTCACAATGAGGTAGATTCTTTACACGATCTAGCTCAGTACTGAATCCTGGACCAAGAC-3'
Protein context (NP_001257903.1, residues 1643-1663): DRVKNLPHCE[Thr1653Met]EIFEVRFDPQ